The following is an entry in ClinVar:

ClinVar aggregate classification (germline): Uncertain significance (1 of 4 stars; one submission).

Conditions:
Hypodontia. Also called: Partial congenital absence of teeth; TOOTH AGENESIS, FAMILIAL; Tooth agenesis, selective. Identifiers: Orphanet 99798, MedGen C0020608, MONDO:0005486, HP:0000668. Disease mechanism: loss of function.

Allele frequency attached by ClinVar (database versions not stated): TOPMed below 0.00001; ExAC 0.00002.
gnomAD v4.1: 25 of 1,614,066 alleles (0.0015%); highest among the groups gnomAD compares: Non-Finnish European, 0.002%; no homozygotes.

Submission:

Labcorp Genetics (formerly Invitae), Labcorp
Classification: Uncertain significance for Hypodontia. Last evaluated: 2022-07-20. Review status: criteria provided, single submitter. Criteria: Invitae Variant Classification Sherloc (09022015). Collection method: clinical testing. Allele origin: germline.
Comment: In summary, the available evidence is currently insufficient to determine the role of this variant in disease. Therefore, it has been classified as a Variant of Uncertain Significance. Algorithms developed to predict the effect of missense changes on protein structure and function are either unavailable or do not agree on the potential impact of this missense change (SIFT: "Tolerated"; PolyPhen-2: "Probably Damaging"; Align-GVGD: "Class C0"). This variant has not been reported in the literature in individuals affected with PAX9-related conditions. This variant is present in population databases (rs779248666, gnomAD 0.002%). This sequence change replaces tyrosine, which is neutral and polar, with histidine, which is basic and polar, at codon 115 of the PAX9 protein (p.Tyr115His).

NM_001372076.1(PAX9):c.343T>C (p.Tyr115His)

Gene: PAX9 (paired box 9; plus strand). Cytogenetic location: 14q13.3.
Variant type: single nucleotide variant.
Coding change: c.343T>C on transcript NM_001372076.1 (MANE Select); coding-DNA position 343, T replaced by C.
Protein change: p.Tyr115His; replaces tyrosine 115 with histidine.
Molecular consequence: missense variant.
Genome position (GRCh38, 1-based): chr14:36,663,235, T>C. VCF-style: chr14-36663235-T-C. GRCh37 (hg19) VCF-style: chr14-37132440-T-C.
Other names: c.343T>C, p.Tyr115His (NM_006194.4); short protein forms Y115H.
Identifiers: ClinVar variation 2179288 (VCV002179288.4), dbSNP rs779248666, ClinGen allele CA7158942.